The following is an entry in ClinVar:

ClinVar aggregate classification (germline): Pathogenic. Review status: criteria provided, single submitter (1 of 4 stars). 2 submissions from 2 submitters: Pathogenic (1). 1 of the submissions does not count toward it. Last evaluated 2024-03-09.

Conditions:
Long QT syndrome 8. Identifiers: MedGen CN260585, MONDO:0032756, OMIM 618447.
Long QT syndrome (LQTS). Identifiers: MedGen C0023976, MeSH D008133, MONDO:0002442. Disease mechanism: loss of function. Inheritance: Various modes of inheritance.

Allele frequency attached by ClinVar (database versions not stated): gnomAD exomes below 0.00001; ExAC 0.00001.
gnomAD v4.1: 1 of 1,613,758 alleles (0.000062%); highest among the groups gnomAD compares: Admixed American, 0.0017%; no homozygotes.

Submissions (2):

Labcorp Genetics (formerly Invitae), Labcorp
Classification: Pathogenic for Long QT syndrome. Last evaluated: 2024-03-09. Review status: criteria provided, single submitter. Criteria: Invitae Variant Classification Sherloc (09022015). Collection method: clinical testing. Allele origin: germline.
Comment: This sequence change replaces proline, which is neutral and non-polar, with arginine, which is basic and polar, at codon 857 of the CACNA1C protein (p.Pro857Arg). This variant is present in population databases (rs750835733, gnomAD 0.003%). This missense change has been observed in individuals with long QT syndrome (PMID: 23677916, 32161207; Invitae). It has also been observed to segregate with disease in related individuals. ClinVar contains an entry for this variant (Variation ID: 633643). Advanced modeling of protein sequence and biophysical properties (such as structural, functional, and spatial information, amino acid conservation, physicochemical variation, residue mobility, and thermodynamic stability) has been performed at Invitae for this missense variant, however the output from this modeling did not meet the statistical confidence thresholds required to predict the impact of this variant on CACNA1C protein function. Experimental studies have shown that this missense change affects CACNA1C function (PMID: 23677916). For these reasons, this variant has been classified as Pathogenic.

OMIM
Classification: Pathogenic for LONG QT SYNDROME 8. Last evaluated: 2019-06-05. Review status: no assertion criteria provided. Collection method: literature only. Allele origin: germline. Not counted in ClinVar's aggregate classification.

Literature cited by the submitters: PubMed 23677916 (cited by Labcorp Genetics (formerly Invitae), Labcorp and OMIM); PubMed 32161207 (cited by Labcorp Genetics (formerly Invitae), Labcorp).

NM_000719.7(CACNA1C):c.2570C>G (p.Pro857Arg)

Gene: CACNA1C (calcium voltage-gated channel subunit alpha1 C; plus strand). Cytogenetic location: 12p13.33.
Variant type: single nucleotide variant.
Coding change: c.2570C>G on transcript NM_000719.7 (MANE Select); coding-DNA position 2570, C replaced by G.
Protein change: p.Pro857Arg; replaces proline 857 with arginine.
Molecular consequence: missense variant.
Genome position (GRCh38, 1-based): chr12:2,593,252, C>G. VCF-style: chr12-2593252-C-G. GRCh37 (hg19) VCF-style: chr12-2702418-C-G.
Other names: c.2570C>G, p.Pro857Arg (NM_001129827.2, NM_001129829.2, NM_001129830.3 and 18 more transcripts); c.2561C>G, p.Pro854Arg (NM_001129844.2); short protein forms P857R, P854R.
Identifiers: ClinVar variation 633643 (VCV000633643.61), dbSNP rs750835733, ClinGen allele CA6389012.